The following is an entry in ClinVar:

ClinVar aggregate classification (germline): Uncertain significance. Review status: criteria provided, multiple submitters, no conflicts (2 of 4 stars). 2 submissions from 2 submitters: Uncertain significance (2). Last evaluated 2026-01-01.

Conditions:
Inborn genetic diseases. Identifiers: MedGen C0950123, MeSH D030342.

Allele frequency attached by ClinVar (database versions not stated): gnomAD 0.00001; gnomAD exomes 0.00002; ExAC 0.00004.
gnomAD v4.1: 24 of 1,613,876 alleles (0.0015%); highest among the groups gnomAD compares: Admixed American, 0.022%; no homozygotes.

Submissions (2):

Labcorp Genetics (formerly Invitae), Labcorp
Classification: Uncertain significance. Last evaluated: 2026-01-01. Review status: criteria provided, single submitter. Criteria: Invitae Variant Classification Sherloc (09022015). Collection method: clinical testing. Allele origin: germline.
Comment: This sequence change replaces aspartic acid, which is acidic and polar, with glutamic acid, which is acidic and polar, at codon 169 of the HOXD13 protein (p.Asp169Glu). This variant is present in population databases (rs778978474, gnomAD 0.03%). This variant has not been reported in the literature in individuals affected with HOXD13-related conditions. ClinVar contains an entry for this variant (Variation ID: 2353087). Invitae Evidence Modeling of protein sequence and biophysical properties (such as structural, functional, and spatial information, amino acid conservation, physicochemical variation, residue mobility, and thermodynamic stability) indicates that this missense variant is not expected to disrupt HOXD13 protein function with a negative predictive value of 80%. In summary, the available evidence is currently insufficient to determine the role of this variant in disease. Therefore, it has been classified as a Variant of Uncertain Significance.

Ambry Genetics
Classification: Uncertain significance for Inborn genetic diseases. Last evaluated: 2025-11-20. Review status: criteria provided, single submitter. Criteria: Ambry Variant Classification Scheme 2023. Collection method: clinical testing. Allele origin: germline.

NM_000523.4(HOXD13):c.507C>A (p.Asp169Glu)

Gene: HOXD13 (homeobox D13; plus strand). Cytogenetic location: 2q31.1.
Variant type: single nucleotide variant.
Coding change: c.507C>A on transcript NM_000523.4 (MANE Select); coding-DNA position 507, C replaced by A.
Protein change: p.Asp169Glu; replaces aspartic acid 169 with glutamic acid.
Molecular consequence: missense variant.
Genome position (GRCh38, 1-based): chr2:176,093,397, C>A. VCF-style: chr2-176093397-C-A. GRCh37 (hg19) VCF-style: chr2-176958125-C-A.
Other names: short protein forms D169E.
Identifiers: ClinVar variation 2353087 (VCV002353087.4), dbSNP rs778978474, ClinGen allele CA1976616.
Genomic context (GRCh38, chr2:176,093,397, plus strand): 5'-TGCGCTCAAGTCATCGCCGCACGCCTCGCTGGGAGGCTTTCCCGTGGAGAAGTACATGGA[C>A]GTGTCAGGCCTGGCGAGCAGCAGCGTACCGGCCAACGAGGTGCCAGCGCGAGCCAAGGAG-3'
Protein context (NP_000514.2, residues 159-179): LGGFPVEKYM[Asp169Glu]VSGLASSSVP